The following is an entry in ClinVar:

NM_000038.6(APC):c.3256C>T (p.His1086Tyr)

Gene: APC (APC regulator of Wnt signaling pathway; plus strand). Cytogenetic location: 5q22.2.
Variant type: single nucleotide variant.
Coding change: c.3256C>T on transcript NM_000038.6 (MANE Select); coding-DNA position 3256, C replaced by T.
Protein change: p.His1086Tyr; replaces histidine 1086 with tyrosine.
Molecular consequence: missense variant.
Genome position (GRCh38, 1-based): chr5:112,838,850, C>T. VCF-style: chr5-112838850-C-T. GRCh37 (hg19) VCF-style: chr5-112174547-C-T.
Other names: c.3256C>T, p.His1086Tyr (NM_001127510.3, NM_001354895.2, NM_001407450.1); c.3202C>T, p.His1068Tyr (NM_001127511.3); c.3310C>T, p.His1104Tyr (NM_001354896.2, NM_001407447.1, NM_001407448.1 and 1 more transcripts); c.3286C>T, p.His1096Tyr (NM_001354897.2); c.3181C>T, p.His1061Tyr (NM_001354898.2); c.3172C>T, p.His1058Tyr (NM_001354899.2); c.3133C>T, p.His1045Tyr (NM_001354900.2); c.3079C>T, p.His1027Tyr (NM_001354901.2, NM_001407453.1); and 11 more; short protein forms H1058Y, H1076Y, H702Y, H926Y, H1003Y, H1027Y, H1061Y, H1079Y.
Identifiers: ClinVar variation 1729463 (VCV001729463.8), dbSNP rs2149888077, ClinGen allele CA16028478.
Genomic context (GRCh38, chr5:112,838,850, plus strand): 5'-AGACAATCAAGGAATCAAAGTACAACTTATCCTGTTTATACTGAGAGCACTGATGATAAA[C>T]ACCTCAAGTTCCAACCACATTTTGGACAGCAGGAATGTGTTTCTCCATACAGGTCACGGG-3'
Protein context (NP_000029.2, residues 1076-1096): PVYTESTDDK[His1086Tyr]LKFQPHFGQQ

ClinVar aggregate classification (germline): Uncertain significance. Review status: criteria provided, multiple submitters, no conflicts (2 of 4 stars). 2 submissions from 2 submitters: Uncertain significance (2). Last evaluated 2024-03-18.

Conditions:
Hereditary cancer-predisposing syndrome. Also called: Neoplastic Syndromes, Hereditary; Tumor predisposition; Hereditary Cancer Syndrome; Hereditary neoplastic syndrome. Identifiers: Orphanet 140162, MedGen C0027672, MeSH D009386, MONDO:0015356.
Familial adenomatous polyposis 1 (FAP1). Also called: FAMILIAL ADENOMATOUS POLYPOSIS 1, ATTENUATED; POLYPOSIS, ADENOMATOUS INTESTINAL. Identifiers: MedGen C2713442, MONDO:0021056, OMIM 175100. Disease mechanism: loss of function.

Submissions (2):

Ambry Genetics
Classification: Uncertain significance for Hereditary cancer-predisposing syndrome. Last evaluated: 2024-03-18. Review status: criteria provided, single submitter. Criteria: Ambry Variant Classification Scheme 2023. Collection method: clinical testing. Allele origin: germline.
Comment: The p.H1086Y variant (also known as c.3256C>T), located in coding exon 15 of the APC gene, results from a C to T substitution at nucleotide position 3256. The histidine at codon 1086 is replaced by tyrosine, an amino acid with similar properties. This amino acid position is highly conserved in available vertebrate species. In addition, in silico predictors for this gene do not accurately predict pathogenicity. Since supporting evidence is limited at this time, the clinical significance of this alteration remains unclear.

Labcorp Genetics (formerly Invitae), Labcorp
Classification: Uncertain significance for Familial adenomatous polyposis 1. Last evaluated: 2024-03-18. Review status: criteria provided, single submitter. Criteria: Invitae Variant Classification Sherloc (09022015). Collection method: clinical testing. Allele origin: germline.
Comment: This sequence change replaces histidine, which is basic and polar, with tyrosine, which is neutral and polar, at codon 1086 of the APC protein (p.His1086Tyr). This variant is not present in population databases (gnomAD no frequency). This variant has not been reported in the literature in individuals affected with APC-related conditions. ClinVar contains an entry for this variant (Variation ID: 1729463). Advanced modeling of protein sequence and biophysical properties (such as structural, functional, and spatial information, amino acid conservation, physicochemical variation, residue mobility, and thermodynamic stability) performed at Invitae indicates that this missense variant is not expected to disrupt APC protein function with a negative predictive value of 95%. In summary, the available evidence is currently insufficient to determine the role of this variant in disease. Therefore, it has been classified as a Variant of Uncertain Significance.

Literature cited by the submitters: PubMed 30580288 (cited by Ambry Genetics).